The following is an entry in ClinVar:

NM_003072.5(SMARCA4):c.296G>A (p.Arg99Gln)

Gene: SMARCA4 (SWI/SNF related BAF chromatin remodeling complex subunit ATPase 4; plus strand). Cytogenetic location: 19p13.2.
Variant type: single nucleotide variant.
Coding change: c.296G>A on transcript NM_003072.5 (MANE Select); coding-DNA position 296, G replaced by A.
Protein change: p.Arg99Gln; replaces arginine 99 with glutamine.
Molecular consequence: missense variant. On other transcripts: non-coding transcript variant (1).
Genome position (GRCh38, 1-based): chr19:10,985,346, G>A. VCF-style: chr19-10985346-G-A. GRCh37 (hg19) VCF-style: chr19-11096022-G-A.
Other names: c.296G>A, p.Arg99Gln (NM_001128844.3, NM_001128845.2, NM_001128846.2 and 5 more transcripts); short protein forms R99Q.
Identifiers: ClinVar variation 432670 (VCV000432670.19), dbSNP rs745406632, ClinGen allele CA9203453.

ClinVar aggregate classification (germline): Uncertain significance. Review status: criteria provided, multiple submitters, no conflicts (2 of 4 stars). 5 submissions from 5 submitters: Uncertain significance (5). Last evaluated 2024-08-08.

Conditions:
Hereditary cancer-predisposing syndrome. Also called: Hereditary Cancer Syndrome; Hereditary neoplastic syndrome; Neoplastic Syndromes, Hereditary; Tumor predisposition. Identifiers: Orphanet 140162, MedGen C0027672, MeSH D009386, MONDO:0015356.
Intellectual disability, autosomal dominant 16 (CSS4). Also called: COFFIN-SIRIS SYNDROME 4. Identifiers: Orphanet 1465, MedGen C3553249, MONDO:0013821, OMIM 614609.
Rhabdoid tumor predisposition syndrome 2 (RTPS2). Identifiers: Orphanet 231108, Orphanet 69077, MedGen C2750074, MONDO:0013224, OMIM 613325.

Allele frequency attached by ClinVar (database versions not stated): gnomAD exomes below 0.00001; ExAC 0.00001.
gnomAD v4.1: 6 of 1,614,068 alleles (0.00037%); highest among the groups gnomAD compares: Admixed American, 0.0017%; no homozygotes.

Submissions (5):

Labcorp Genetics (formerly Invitae), Labcorp
Classification: Uncertain significance for Rhabdoid tumor predisposition syndrome 2. Last evaluated: 2024-08-08. Review status: criteria provided, single submitter. Criteria: Invitae Variant Classification Sherloc (09022015). Collection method: clinical testing. Allele origin: germline.
Comment: This sequence change replaces arginine, which is basic and polar, with glutamine, which is neutral and polar, at codon 99 of the SMARCA4 protein (p.Arg99Gln). This variant is present in population databases (rs745406632, gnomAD 0.003%). This variant has not been reported in the literature in individuals affected with SMARCA4-related conditions. ClinVar contains an entry for this variant (Variation ID: 432670). Advanced modeling of protein sequence and biophysical properties (such as structural, functional, and spatial information, amino acid conservation, physicochemical variation, residue mobility, and thermodynamic stability) has been performed at Invitae for this missense variant, however the output from this modeling did not meet the statistical confidence thresholds required to predict the impact of this variant on SMARCA4 protein function. In summary, the available evidence is currently insufficient to determine the role of this variant in disease. Therefore, it has been classified as a Variant of Uncertain Significance.

Ambry Genetics
Classification: Uncertain significance for Hereditary cancer-predisposing syndrome. Last evaluated: 2024-07-23. Review status: criteria provided, single submitter. Criteria: Ambry Variant Classification Scheme 2023. Collection method: clinical testing. Allele origin: germline.
Comment: The p.R99Q variant (also known as c.296G>A), located in coding exon 2 of the SMARCA4 gene, results from a G to A substitution at nucleotide position 296. The arginine at codon 99 is replaced by glutamine, an amino acid with highly similar properties. This amino acid position is highly conserved in available vertebrate species. In addition, the in silico prediction for this alteration is inconclusive. Based on the available evidence, the clinical significance of this variant remains unclear.

Quest Diagnostics Nichols Institute San Juan Capistrano
Classification: Uncertain significance. Last evaluated: 2024-04-08. Review status: criteria provided, single submitter. Criteria: Quest Diagnostics criteria. Collection method: clinical testing. Allele origin: unknown.
Comment: The SMARCA4 c.296G>A (p.Arg99Gln) variant has not been reported in individuals with SMARCA4-related conditions in the published literature. The frequency of this variant in the general population, 0.000004 (1/251186 chromosomes (Genome Aggregation Database)), is uninformative in the assessment of its pathogenicity. Analysis of this variant using bioinformatics tools for the prediction of the effect of amino acid changes on protein structure and function yielded predictions that this variant is damaging. Based on the available information, we are unable to determine the clinical significance of this variant.

Genome-Nilou Lab
Classification: Uncertain significance for Intellectual disability, autosomal dominant 16. Last evaluated: 2021-07-15. Review status: criteria provided, single submitter. Criteria: ACMG Guidelines, 2015. Collection method: clinical testing. Allele origin: germline. Affected: no.

GeneDx
Classification: Uncertain significance. Last evaluated: 2017-06-06. Review status: criteria provided, single submitter. Criteria: GeneDx Variant Classification (06012015). Collection method: clinical testing. Allele origin: germline. Affected: yes.
Comment: The R99Q variant in the SMARCA4 gene has not been reported previously as a germline pathogenic variant, nor as a benign variant, to our knowledge. The R99Q variant is not observed at a significant frequency in large population cohorts (Lek et al., 2016; 1000 Genomes Consortium et al., 2015; Exome Variant Server). The R99Q variant is a semi-conservative amino acid substitution, which may impact secondary protein structure as these residues differ in some properties. This substitution occurs at a position that is conserved across species, however in silico analysis is inconsistent in its predictions as to whether or not the variant is damaging to the protein structure/function.